The following is an entry in ClinVar:

ClinVar aggregate classification (germline): Uncertain significance (1 of 4 stars; one submission).

Conditions:
Familial thoracic aortic aneurysm and aortic dissection (TAAD). Also called: Thoracic aortic aneurysms and dissections. Identifiers: Orphanet 91387, MedGen C4707243, MONDO:0019625.

Submission:

Color Diagnostics, LLC DBA Color Health
Classification: Uncertain significance for Familial thoracic aortic aneurysm and aortic dissection. Last evaluated: 2025-06-09. Review status: criteria provided, single submitter. Criteria: ACMG Guidelines, 2015. Collection method: clinical testing. Allele origin: germline.
Comment: This missense variant replaces phenylalanine with leucine at codon 150 of the SMAD3 protein. Computational prediction suggests that this variant may not impact protein structure and function. To our knowledge, functional studies have not been reported for this variant. This variant has not been reported in individuals affected with SMAD3-related disorders in the literature. This variant has not been identified in the general population by the Genome Aggregation Database (gnomAD). The available evidence is insufficient to determine the role of this variant in disease conclusively. Therefore, this variant is classified as a Variant of Uncertain Significance.

NM_005902.4(SMAD3):c.450C>A (p.Phe150Leu)

Gene: SMAD3 (SMAD family member 3; plus strand). Cytogenetic location: 15q22.33.
Variant type: single nucleotide variant.
Coding change: c.450C>A on transcript NM_005902.4 (MANE Select); coding-DNA position 450, C replaced by A.
Protein change: p.Phe150Leu; replaces phenylalanine 150 with leucine.
Molecular consequence: missense variant. On other transcripts: intron variant (2).
Genome position (GRCh38, 1-based): chr15:67,165,302, C>A. VCF-style: chr15-67165302-C-A. GRCh37 (hg19) VCF-style: chr15-67457640-C-A.
Other names: c.135C>A, p.Phe45Leu (NM_001145102.2, NM_001407016.1); c.318C>A, p.Phe106Leu (NM_001145103.2); c.450C>A, p.Phe150Leu (NM_001407011.1, NM_001407013.1); c.303C>A, p.Phe101Leu (NM_001407014.1); c.400+214C>A (NM_001407012.1); c.85+214C>A (NM_001407015.1); short protein forms F101L, F106L, F150L, F45L.
Identifiers: ClinVar variation 4756962 (VCV004756962.1).